The following is an entry in ClinVar:

NM_006030.4(CACNA2D2):c.1159A>G (p.Ile387Val)

Gene: CACNA2D2 (calcium voltage-gated channel auxiliary subunit alpha2delta 2; minus strand). Cytogenetic location: 3p21.31.
Variant type: single nucleotide variant.
Coding change: c.1159A>G on transcript NM_006030.4 (MANE Select); coding-DNA position 1159, A replaced by G.
Protein change: p.Ile387Val; replaces isoleucine 387 with valine.
Molecular consequence: missense variant.
Genome position (GRCh38, 1-based): chr3:50,379,193, T>C on the plus strand (A>G on the coding strand, the complement: CACNA2D2 is on the minus strand). VCF-style: chr3-50379193-T-C. GRCh37 (hg19) VCF-style: chr3-50416624-T-C.
Other names: c.1159A>G, p.Ile387Val (NM_001005505.3, NM_001174051.3); c.952A>G, p.Ile318Val (NM_001291101.1); short protein forms I387V, I318V.
Identifiers: ClinVar variation 854663 (VCV000854663.8), dbSNP rs1559890242, ClinGen allele CA352934821.

ClinVar aggregate classification (germline): Uncertain significance (1 of 4 stars; one submission).

Conditions:
Developmental and epileptic encephalopathy. Identifiers: MedGen C5779964, MONDO:0100620.

Allele frequency attached by ClinVar (database versions not stated): gnomAD 0.00002.
gnomAD v4.1: 3 of 1,613,340 alleles (0.00019%); highest among the groups gnomAD compares: Admixed American, 0.005%; no homozygotes.

Submission:

Labcorp Genetics (formerly Invitae), Labcorp
Classification: Uncertain significance for Early-infantile DEE. Last evaluated: 2024-11-05. Review status: criteria provided, single submitter. Criteria: Invitae Variant Classification Sherloc (09022015). Collection method: clinical testing. Allele origin: germline.
Comment: This sequence change replaces isoleucine, which is neutral and non-polar, with valine, which is neutral and non-polar, at codon 387 of the CACNA2D2 protein (p.Ile387Val). This variant is not present in population databases (gnomAD no frequency). This variant has not been reported in the literature in individuals affected with CACNA2D2-related conditions. ClinVar contains an entry for this variant (Variation ID: 854663). An algorithm developed to predict the effect of missense changes on protein structure and function outputs the following: PolyPhen-2: "Benign". The valine amino acid residue is found in multiple mammalian species, which suggests that this missense change does not adversely affect protein function. In summary, the available evidence is currently insufficient to determine the role of this variant in disease. Therefore, it has been classified as a Variant of Uncertain Significance.